The following is an entry in ClinVar:

NM_002473.6(MYH9):c.1072C>T (p.Arg358Trp)

Gene: MYH9 (myosin heavy chain 9; minus strand). Cytogenetic location: 22q12.3.
Variant type: single nucleotide variant.
Coding change: c.1072C>T on transcript NM_002473.6 (MANE Select); coding-DNA position 1072, C replaced by T.
Protein change: p.Arg358Trp; replaces arginine 358 with tryptophan.
Molecular consequence: missense variant.
Genome position (GRCh38, 1-based): chr22:36,319,576, G>A on the plus strand (C>T on the coding strand, the complement: MYH9 is on the minus strand). VCF-style: chr22-36319576-G-A. GRCh37 (hg19) VCF-style: chr22-36715621-G-A.
Other names: short protein forms R358W.
Identifiers: ClinVar variation 2965254 (VCV002965254.3), dbSNP rs2017217011, ClinGen allele CA411404222.

ClinVar aggregate classification (germline): Uncertain significance (1 of 4 stars; one submission).

Allele frequency attached by ClinVar (database versions not stated): TOPMed 0.00001; gnomAD exomes below 0.00001.
gnomAD v4.1: 5 of 1,614,114 alleles (0.00031%); highest among the groups gnomAD compares: Non-Finnish European, 0.00042%; no homozygotes.

Submission:

Labcorp Genetics (formerly Invitae), Labcorp
Classification: Uncertain significance. Last evaluated: 2025-03-24. Review status: criteria provided, single submitter. Criteria: Invitae Variant Classification Sherloc (09022015). Collection method: clinical testing. Allele origin: germline.
Comment: This sequence change replaces arginine, which is basic and polar, with tryptophan, which is neutral and slightly polar, at codon 358 of the MYH9 protein (p.Arg358Trp). This variant is not present in population databases (gnomAD no frequency). This variant has not been reported in the literature in individuals affected with MYH9-related conditions. ClinVar contains an entry for this variant (Variation ID: 2965254). Invitae Evidence Modeling of protein sequence and biophysical properties (such as structural, functional, and spatial information, amino acid conservation, physicochemical variation, residue mobility, and thermodynamic stability) has been performed for this missense variant. However, the output from this modeling did not meet the statistical confidence thresholds required to predict the impact of this variant on MYH9 protein function. In summary, the available evidence is currently insufficient to determine the role of this variant in disease. Therefore, it has been classified as a Variant of Uncertain Significance.